The following is an entry in ClinVar:

NM_001130987.2(DYSF):c.3756del (p.Thr1251_Tyr1252insTer)

Gene: DYSF (dysferlin; plus strand). Cytogenetic location: 2p13.2.
Variant type: Deletion.
Coding change: c.3756del on transcript NM_001130987.2 (MANE Select); coding-DNA position 3756, one base deleted (T; older notation c.3756delT).
Protein change: p.Thr1251_Tyr1252insTer.
Molecular consequence: nonsense.
Genome position (GRCh38, 1-based): chr2:71,598,745, T deleted. VCF-style (leftmost placement, unchanged base first): chr2-71598744-AT-A. GRCh37 (hg19) VCF-style: chr2-71825874-AT-A.
Other names: c.3705del, p.Thr1234_Tyr1235insTer (NM_001130455.2, NM_001130983.2); c.3660del, p.Thr1219_Tyr1220insTer (NM_001130976.2, NM_001130977.2); c.3702del, p.Thr1233_Tyr1234insTer (NM_001130978.2, NM_003494.4); c.3795del, p.Thr1264_Tyr1265insTer (NM_001130979.2); c.3753del, p.Thr1250_Tyr1251insTer (NM_001130980.2, NM_001130981.2); c.3798del, p.Thr1265_Tyr1266insTer (NM_001130982.2); c.3663del, p.Thr1220_Tyr1221insTer (NM_001130984.2, NM_001130986.2); c.3756del, p.Thr1251_Tyr1252insTer (NM_001130985.2).
Identifiers: ClinVar variation 813979 (VCV000813979.1), dbSNP rs1574264671, ClinGen allele CA658820651.
Genomic context (GRCh38, chr2:71,598,744, plus strand): 5'-CGGCCACAGTTGCTGAGCAACCGCCCAGCATTGTGGTGGAGCTGTACGACCATGACACTT[AT>A]GTGAGTCTGCCCAGCTCCTGCCTCGTCCCCTCACAGGGAGGGACCATGTGCAAAGGTGGG-3'

ClinVar aggregate classification (germline): Likely pathogenic (1 of 4 stars; one submission).

Conditions:
Autosomal recessive limb-girdle muscular dystrophy type 2B (LGMDR2). Also called: Limb-girdle muscular dystrophy, type 2B; Limb-Girdle Muscular Dystrophy Type 2B (LGMD2B); MUSCULAR DYSTROPHY, LIMB-GIRDLE, TYPE 3; MUSCULAR DYSTROPHY, LIMB-GIRDLE, AUTOSOMAL RECESSIVE 2. Identifiers: Orphanet 268, MedGen C1850889, MONDO:0009676, OMIM 253601.

Submission:

Broad Center for Mendelian Genomics, Broad Institute of MIT and Harvard
Classification: Likely pathogenic for Autosomal recessive limb-girdle muscular dystrophy type 2B. Last evaluated: 2018-12-03. Review status: criteria provided, single submitter. Criteria: ACMG Guidelines, 2015. Collection method: research. Allele origin: germline. Inheritance: Autosomal recessive inheritance. Affected: yes.
Comment: The homozygous p.Tyr1252Ter variant in DYSF was identified by our study in two unrelated individuals with Limb-Girdle Muscular Dystrophy (LGMD). This variant was absent from large population studies. This nonsense variant leads to a premature termination codon at position 1252, which is predicted to lead to a truncated or absent protein. Loss of function of the DYSF gene is an established disease mechanism in autosomal recessive LGMD, and this is a loss of function variant. In summary, although additional studies are required to fully establish its clinical significance, the p.Tyr1252Ter variant is likely pathogenic. ACMG/AMP Criteria applied: PM2, PVS1 (Richards 2015).